The following is an entry in ClinVar:

NM_198253.3(TERT):c.1712del (p.Asn571fs)

Gene: TERT (telomerase reverse transcriptase; minus strand). Cytogenetic location: 5p15.33.
Variant type: Deletion.
Coding change: c.1712del on transcript NM_198253.3 (MANE Select); coding-DNA position 1712, one base deleted (A; older notation c.1712delA).
Protein change: p.Asn571fs; shifts the reading frame from asparagine 571.
Molecular consequence: frameshift variant. On other transcripts: non-coding transcript variant (2).
Genome position (GRCh38, 1-based): chr5:1,282,486, T deleted on the plus strand (A on the coding strand, the reverse complement: TERT is on the minus strand); the first of 2 consecutive T bases (chr5:1,282,486-1,282,487); deleting either gives the same sequence. VCF-style (leftmost placement, unchanged base first): chr5-1282485-GT-G. GRCh37 (hg19) VCF-style: chr5-1282600-GT-G.
Other names: c.1712del, p.Asn571fs (NM_001193376.3); short protein forms N571fs.
Identifiers: ClinVar variation 849023 (VCV000849023.8), dbSNP rs1750090102, ClinGen allele CA916081463.

ClinVar aggregate classification (germline): Pathogenic (1 of 4 stars; one submission).

Conditions:
Dyskeratosis congenita, autosomal dominant 2. Identifiers: MedGen C3151443, MONDO:0013521, OMIM 613989.
Idiopathic Pulmonary Fibrosis. Also called: Idiopathic fibrosing alveolitis, chronic form; idiopathic fibrosing alveolitis. Identifiers: Orphanet 2032, MedGen C1800706, MeSH D054990, MONDO:0800504.

Submission:

Labcorp Genetics (formerly Invitae), Labcorp
Classification: Pathogenic for Dyskeratosis congenita, autosomal dominant 2; Idiopathic Pulmonary Fibrosis. Last evaluated: 2019-04-28. Review status: criteria provided, single submitter. Criteria: Invitae Variant Classification Sherloc (09022015). Collection method: clinical testing. Allele origin: germline.
Comment: Loss-of-function variants in TERT are known to be pathogenic (PMID: 16247010, 17460043). For these reasons, this variant has been classified as Pathogenic. This variant has not been reported in the literature in individuals with TERT-related conditions. This variant is not present in population databases (ExAC no frequency). This sequence change creates a premature translational stop signal (p.Asn571Thrfs*23) in the TERT gene. It is expected to result in an absent or disrupted protein product.

Literature cited by the submitters: PubMed 16247010; PubMed 17460043.